The following is an entry in ClinVar:

NM_000016.6(ACADM):c.947A>T (p.His316Leu)

Gene: ACADM (acyl-CoA dehydrogenase medium chain; plus strand). Cytogenetic location: 1p31.1.
Variant type: single nucleotide variant.
Coding change: c.947A>T on transcript NM_000016.6 (MANE Select); coding-DNA position 947, A replaced by T.
Protein change: p.His316Leu; replaces histidine 316 with leucine.
Molecular consequence: missense variant.
Genome position (GRCh38, 1-based): chr1:75,761,123, A>T. VCF-style: chr1-75761123-A-T. GRCh37 (hg19) VCF-style: chr1-76226808-A-T.
Other names: c.959A>T, p.His320Leu (NM_001127328.3); c.839A>T, p.His280Leu (NM_001286042.2); c.1046A>T, p.His349Leu (NM_001286043.2); c.380A>T, p.His127Leu (NM_001286044.2); short protein forms H127L, H280L, H316L, H320L, H349L.
Identifiers: ClinVar variation 2664816 (VCV002664816.1), dbSNP rs2525698178, ClinGen allele CA340817835.

ClinVar aggregate classification (germline): Uncertain significance (1 of 4 stars; one submission).

Conditions:
Medium-chain acyl-coenzyme A dehydrogenase deficiency (ACADMD). Also called: Medium chain acyl-CoA dehydrogenase deficiency; MCAD Deficiency; ACADM DEFICIENCY; MCADD; CARNITINE DEFICIENCY SECONDARY TO MEDIUM-CHAIN ACYL-CoA DEHYDROGENASE DEFICIENCY; MCADH DEFICIENCY. Identifiers: Orphanet 42, MedGen C0220710, MONDO:0008721, OMIM 201450.

Submission:

Genetics and Molecular Pathology, SA Pathology
Classification: Uncertain significance for Medium-chain acyl-coenzyme A dehydrogenase deficiency. Last evaluated: 2022-11-30. Review status: criteria provided, single submitter. Criteria: ACMG Guidelines, 2015. Collection method: clinical testing. Allele origin: germline. Inheritance: Autosomal recessive inheritance. Affected: yes.
Comment: The ACADM gene encodes the medium-chain specific acyl-Coenzyme A dehydrogenase (MCAD). The homotetramer enzyme catalyzes the initial step of the mitochondrial fatty acid beta-oxidation pathway. Defects in this gene cause medium-chain acyl-CoA dehydrogenase deficiency, a disease characterized by hepatic dysfunction, fasting hypoglycemia, and encephalopathy. Alternatively spliced transcript variants encoding different isoforms have been found for this gene. The ACADM c.947A>T variant is classified as VUS (PM1, PM2, PP3) The ACADM c.947A>T variant is a single nucleotide substitution of the first nucleotide of exon 11 (of 12) and computational predictions support a deleterious effect on the gene or gene product (PP3). The variant has not been reported in the gnomAD population database (PM2). This variant is located in a protein domain (PM1) in a region that is highly conserved in mammals. Computational predictions support a deleterious effect on the gene or gene product (Predicted change at acceptor site 2 base pairs upstream) (PP3).The variant has not been reported in dbSNP the HGMD database or ClinVar.